The following is an entry in ClinVar:

ClinVar aggregate classification (germline): Likely benign. Review status: criteria provided, multiple submitters, no conflicts (2 of 4 stars). 2 submissions from 2 submitters: Likely benign (2). Last evaluated 2026-09-01.

gnomAD v4.1: 2,751 of 1,613,586 alleles (0.17%); highest among the groups gnomAD compares: Middle Eastern, 0.54%; 8 homozygotes.

Submissions (2):

CeGaT Center for Human Genetics Tuebingen
Classification: Likely benign. Last evaluated: 2026-09-01. Review status: criteria provided, single submitter. Criteria: CeGaT Center For Human Genetics Tuebingen Variant Classification Criteria Version 2. Collection method: clinical testing. Allele origin: germline. Affected: yes. Observed: 5 variant alleles.
Comment: SIN3B: BP4, BP7

Blueprint Genetics
Classification: Likely benign. Last evaluated: 2024-11-25. Review status: criteria provided, single submitter. Criteria: ACMG Guidelines, 2015. Collection method: clinical testing. Allele origin: germline.

NM_001297595.2(SIN3B):c.1803C>T (p.Asp601=)

Gene: SIN3B (SIN3 transcription regulator family member B; plus strand). Cytogenetic location: 19p13.11.
Variant type: single nucleotide variant.
Coding change: c.1803C>T on transcript NM_001297595.2 (MANE Select); coding-DNA position 1803, C replaced by T.
Protein change: p.Asp601=; no amino-acid change (aspartic acid 601 retained).
Molecular consequence: synonymous variant.
Genome position (GRCh38, 1-based): chr19:16,866,553, C>T. VCF-style: chr19-16866553-C-T. GRCh37 (hg19) VCF-style: chr19-16977364-C-T.
Other names: c.573C>T, p.Asp191= (NM_001297597.2); c.1899C>T, p.Asp633= (NM_015260.4).
Identifiers: ClinVar variation 4533433 (VCV004533433.7).
Genomic context (GRCh38, chr19:16,866,553, plus strand): 5'-GAACGACACCAAGGCCCTGCGCTCCAAGAGCTTGCTCAACGAGATCGAGAGCGTCTACGA[C>T]GAGGTAAAGCCTTCCCTAGCCCTGCCGGCCGGTGGGGGTGGGGTCCTGGCTCTCCCGACC-3'
Protein context (NP_001284524.1, residues 591-611): SLLNEIESVY[Asp601=]EHQEQHSEGR